The following is an entry in ClinVar:

ClinVar aggregate classification (germline): Uncertain significance. Review status: criteria provided, multiple submitters, no conflicts (2 of 4 stars). 2 submissions from 2 submitters: Uncertain significance (2). Last evaluated 2025-02-28.

Conditions:
Intellectual developmental disorder, autosomal recessive 58. Also called: Intellectual disability, autosomal recessive 58. Identifiers: MedGen C4310641, MONDO:0014996, OMIM 617270.
Intellectual disability, autosomal recessive 42 (NEDDSBA). Also called: GLYCOSYLPHOSPHATIDYLINOSITOL BIOSYNTHESIS DEFECT 9; Neurodevelopmental disorder with dysmorphic features, spasticity, and brain abnormalities. Identifiers: Orphanet 88616, MedGen C4014343, MONDO:0014348, OMIM 615802.

Allele frequency attached by ClinVar (database versions not stated): gnomAD 0.00003 and 0.00004; gnomAD exomes 0.00003 and 0.00005; TOPMed 0.00004; ExAC 0.00006; ESP Exome Variant Server 0.00008.
gnomAD v4.1: 43 of 893,434 alleles (0.0048%); highest among the groups gnomAD compares: East Asian, 0.019%; no homozygotes.

Submissions (2):

Mayo Clinic Laboratories, Mayo Clinic
Classification: Uncertain significance. Last evaluated: 2025-02-28. Review status: criteria provided, single submitter. Criteria: ACMG Guidelines, 2015. Collection method: clinical testing. Allele origin: germline. Observed: 1 variant allele.
Comment: BP4, PM2_supporting

Labcorp Genetics (formerly Invitae), Labcorp
Classification: Uncertain significance for Intellectual disability, autosomal recessive 42. Last evaluated: 2022-08-23. Review status: criteria provided, single submitter. Criteria: Invitae Variant Classification Sherloc (09022015). Collection method: clinical testing. Allele origin: germline.
Comment: In summary, the available evidence is currently insufficient to determine the role of this variant in disease. Therefore, it has been classified as a Variant of Uncertain Significance. Algorithms developed to predict the effect of sequence changes on RNA splicing suggest that this variant may create or strengthen a splice site. Algorithms developed to predict the effect of missense changes on protein structure and function (SIFT, PolyPhen-2, Align-GVGD) all suggest that this variant is likely to be tolerated. ClinVar contains an entry for this variant (Variation ID: 474990). This variant has not been reported in the literature in individuals affected with PGAP1-related conditions. This variant is present in population databases (rs201002323, gnomAD 0.009%). This sequence change replaces isoleucine, which is neutral and non-polar, with valine, which is neutral and non-polar, at codon 520 of the PGAP1 protein (p.Ile520Val).

Literature cited by the submitters: PubMed 24784135 (cited by Mayo Clinic Laboratories, Mayo Clinic).

NM_024989.4(PGAP1):c.1558A>G (p.Ile520Val)

Gene: PGAP1 (post-GPI attachment to proteins inositol deacylase 1; minus strand). Cytogenetic location: 2q33.1.
Variant type: single nucleotide variant.
Coding change: c.1558A>G on transcript NM_024989.4 (MANE Select); coding-DNA position 1558, A replaced by G.
Protein change: p.Ile520Val; replaces isoleucine 520 with valine.
Molecular consequence: missense variant.
Genome position (GRCh38, 1-based): chr2:196,873,021, T>C on the plus strand (A>G on the coding strand, the complement: PGAP1 is on the minus strand). VCF-style: chr2-196873021-T-C. GRCh37 (hg19) VCF-style: chr2-197737745-T-C.
Other names: p.Ile520Val; c.1036A>G, p.Ile346Val (NM_001321099.2); c.391A>G, p.Ile131Val (NM_001321100.2); short protein forms I520V, I131V, I346V.
Identifiers: ClinVar variation 474990 (VCV000474990.11), dbSNP rs201002323, ClinGen allele CA2040874.